The following is an entry in ClinVar:

ClinVar aggregate classification (germline): Likely pathogenic (1 of 4 stars; one submission).

Conditions:
Zellweger spectrum disorders (ZS). Also called: Zellweger syndrome; Zellweger Spectrum Disorder; Zellweger Spectrum; Zellweger Spectrum Disorder (ZSD). Identifiers: Orphanet 912, MedGen C0043459, MONDO:0019609.

Submission:

Natera, Inc.
Classification: Likely pathogenic for Zellweger syndrome. Last evaluated: 2025-05-12. Review status: criteria provided, single submitter. Criteria: Natera Variant Classification Schema (03/2026). Collection method: clinical testing. Allele origin: germline.
Comment: The c.496_497del variant in PEX2 is a frameshift variant predicted to shift the reading frame beginning at codon 166 and leads to a stop codon 19 codons downstream. This variant is expected to result in nonsense mediated decay, truncation, or a dysfunctional protein product. This variant is rare in the general population with a frequency below the threshold expected for the associated phenotype(s). Given the available evidence, this variant is classified as Likely Pathogenic.

NM_000318.3(PEX2):c.496_497del (p.Leu166fs)

Gene: PEX2 (peroxisomal biogenesis factor 2; minus strand). Cytogenetic location: 8q21.13.
Variant type: Deletion.
Coding change: c.496_497del on transcript NM_000318.3 (MANE Select); coding-DNA positions 496 to 497, 2 bases deleted (TT; older notation c.496_497delTT).
Protein change: p.Leu166fs; shifts the reading frame from leucine 166.
Molecular consequence: frameshift variant.
Genome position (GRCh38, 1-based): chr8:76,983,682-76,983,683, AA deleted on the plus strand (TT on the coding strand, the reverse complement: PEX2 is on the minus strand); deleting any 2 consecutive bases within chr8:76,983,682-76,983,684 gives the same sequence; the c. name uses the placement nearest the transcript's 3' end. VCF-style (leftmost placement, unchanged base first): chr8-76983681-CAA-C. GRCh37 (hg19) VCF-style: chr8-77895917-CAA-C.
Other names: c.496_497del, p.Leu166fs (NM_001079867.2, NM_001172086.2, NM_001172087.2); short protein forms L166fs.
Identifiers: ClinVar variation 4059612 (VCV004059612.2).